The following is an entry in ClinVar:

ClinVar aggregate classification (germline): Uncertain significance (1 of 4 stars; one submission).

Conditions:
Retinitis pigmentosa 93. Identifiers: MedGen C5676970, MONDO:0030797, OMIM 619845.
COACH syndrome 2. Identifiers: MedGen C5436837, MONDO:0030859, OMIM 619111.
Joubert syndrome 9 (JBTS9). Identifiers: Orphanet 2318, MedGen C2676788, MONDO:0012849, OMIM 612285.
Meckel syndrome, type 6. Identifiers: Orphanet 564, MedGen C2676790, MONDO:0012848, OMIM 612284.

Submission:

Juno Genomics, Hangzhou Juno Genomics, Inc
Classification: Uncertain significance for Retinitis pigmentosa 93; COACH syndrome 2; Joubert syndrome 9; Meckel syndrome, type 6. Review status: criteria provided, single submitter. Criteria: ACMG Guidelines, 2015. Collection method: clinical testing. Allele origin: germline.
Comment: Absent from controls (or at extremely low frequency if recessive) in Genome Aggregation Database.

NM_001378615.1(CC2D2A):c.2626-2_2626-1insAAAAACCTATATAAAATA

Genes: CC2D2A (coiled-coil and C2 domain containing 2A; plus strand), FBXL5 (F-box and leucine rich repeat protein 5; minus strand). Cytogenetic location: 4p15.32.
Variant type: Insertion.
Coding change: c.2626-2_2626-1insAAAAACCTATATAAAATA on transcript NM_001378615.1 (MANE Select); the canonical splice acceptor site of the intron before coding-DNA position 2626, AAAAACCTATATAAAATA inserted.
Molecular consequence: splice acceptor variant.
Genome position: GRCh38 VCF-style: chr4-15557299-T-TATAAAAAACCTATATAAA. GRCh37 (hg19) VCF-style: chr4-15558922-T-TATAAAAAACCTATATAAA.
Other names: c.2626-2_2626-1insAAAAACCTATATAAAATA (NM_001080522.2); c.2479-2_2479-1insAAAAACCTATATAAAATA (NM_001378617.1).
Identifiers: ClinVar variation 5018902 (VCV005018902.2).